The following is an entry in ClinVar:

NM_001009944.3(PKD1):c.8600_8601dup (p.Ser2868fs)

Gene: PKD1 (polycystin 1, transient receptor potential channel interacting; minus strand). Cytogenetic location: 16p13.3.
Variant type: Duplication.
Coding change: c.8600_8601dup on transcript NM_001009944.3 (MANE Select); coding-DNA positions 8600 to 8601, 2 bases duplicated (CC; older notation c.8600_8601dupCC).
Protein change: p.Ser2868fs; shifts the reading frame from serine 2868.
Molecular consequence: frameshift variant.
Genome position (GRCh38, 1-based): chr16:2,103,456-2,103,457, GG duplicated on the plus strand (CC on the coding strand, the reverse complement: PKD1 is on the minus strand). VCF-style (leftmost placement, unchanged base first): chr16-2103455-A-AGG. GRCh37 (hg19) VCF-style: chr16-2153456-A-AGG.
Other names: c.8600_8601dup, p.Ser2868fs (NM_000296.4); short protein forms S2868fs.
Identifiers: ClinVar variation 5038107 (VCV005038107.1).

ClinVar aggregate classification (germline): Pathogenic (1 of 4 stars; one submission).

Conditions:
Polycystic kidney disease, adult type (PKD1). Also called: Polycystic Kidney Disease 1, Autosomal Dominant; POLYCYSTIC KIDNEY DISEASE, ADULT, TYPE I; Polycystic kidney disease 1; Polycystic kidney disease 1, severe; POLYCYSTIC KIDNEY DISEASE 1 WITH OR WITHOUT POLYCYSTIC LIVER DISEASE; Polycystic Kidney, Autosomal Dominant. Identifiers: MedGen C3149841, MONDO:0008263, OMIM 173900.

Submission:

MVZ Medizinische Genetik Mainz
Classification: Pathogenic for Polycystic kidney disease, adult type. Last evaluated: 2026-03-09. Review status: criteria provided, single submitter. Criteria: UK Practice Guidelines For Variant Classification V4 01 2020. Collection method: clinical testing. Allele origin: germline. Inheritance: Autosomal dominant inheritance. Observed: 1 variant allele.
Comment: ACMG Criteria: PVS1,PM2_SUP,PP4